The following is an entry in ClinVar:

NM_001846.4(COL4A2):c.4948T>A (p.Phe1650Ile)

Gene: COL4A2 (collagen type IV alpha 2 chain; plus strand). Cytogenetic location: 13q34.
Variant type: single nucleotide variant.
Coding change: c.4948T>A on transcript NM_001846.4 (MANE Select); coding-DNA position 4948, T replaced by A.
Protein change: p.Phe1650Ile; replaces phenylalanine 1650 with isoleucine.
Molecular consequence: missense variant.
Genome position (GRCh38, 1-based): chr13:110,512,000, T>A. VCF-style: chr13-110512000-T-A. GRCh37 (hg19) VCF-style: chr13-111164347-T-A.
Other names: short protein forms F1650I.
Identifiers: ClinVar variation 4527876 (VCV004527876.1).

ClinVar aggregate classification (germline): Uncertain significance (1 of 4 stars; one submission).

gnomAD v4.1: 1 of 1,613,580 alleles (0.000062%); highest among the groups gnomAD compares: Non-Finnish European, 0.000085%; no homozygotes.

Submission:

GeneDx
Classification: Uncertain significance. Last evaluated: 2025-05-02. Review status: criteria provided, single submitter. Criteria: GeneDx Variant Classification Process June 2021. Collection method: clinical testing. Allele origin: germline. Affected: yes.
Comment: Not observed at significant frequency in large population cohorts (gnomAD); In silico analysis supports that this missense variant has a deleterious effect on protein structure/function; Has not been previously published as pathogenic or benign to our knowledge